The following continues an entry in ClinVar:

NM_025216.3(WNT10A):c.321C>A (p.Cys107Ter)

Gene: WNT10A. ClinVar aggregate classification (germline): Pathogenic/Likely pathogenic. Pathogenic (27); Likely pathogenic (1).

Submissions 10 to 24 of 40:

Victorian Clinical Genetics Services, Murdoch Childrens Research Institute
Classification: Pathogenic for Ectodermal dysplasia WNT10A related. Last evaluated: 2025-07-14. Review status: criteria provided, single submitter. Criteria: ACMG Guidelines, 2015. Collection method: clinical testing. Allele origin: germline. Affected: yes.
Comment: This variant is classified as Pathogenic. Evidence in support of pathogenic classification: Variant is predicted to cause nonsense-mediated decay (NMD) and loss of protein (premature termination codon is located at least 54 nucleotides upstream of the final exon-exon junction); Variant is present in gnomAD <0.01 (v4: 2272 heterozygote(s), 1 homozygote(s)); This variant has strong previous evidence of pathogenicity in unrelated individuals. This variant has been reported pathogenic in multiple unrelated homozygous, compound heterozygous and heterozygous individuals with ectodermal dysplasia or non-syndromic oligodontia (ClinVar, PMID: 19559398, 30426266); Other NMD-predicted variant(s) comparable to the one identified in this case have very strong previous evidence for pathogenicity (DECIPHER). Additional information: This variant is heterozygous; This gene is associated with both recessive and dominant disease. Milder phenotypes are associated with dominant inheritance (OMIM, PMIDs: 19559398, 30426266); Loss of function is a known mechanism of disease in this gene and is associated with odontoonychodermal dysplasia (MIM#257980), Schopf-Schulz-Passarge syndrome (MIM#224750) and selective tooth agenesis 4 (MIM#150400); The condition associated with this gene has incomplete penetrance (OMIM, PMIDs: 19559398, 30426266); Variants in this gene are known to have variable expressivity. The same variants have been associated with all three OMIM phenotypes, with both dominant and recessive inheritance, and there is a high degree of variability of phenotypic expression (OMIM, PMIDs: 19559398, 30426266); Inheritance information for this variant is not currently available in this individual.

Revvity Omics, Revvity
Classification: Pathogenic. Last evaluated: 2025-04-14. Review status: criteria provided, single submitter. Criteria: ACMG Guidelines, 2015. Collection method: clinical testing. Allele origin: germline.

Centre for Clinical Genetics and Genomic Diagnostics, Zealand University Hospital
Classification: Likely pathogenic. Last evaluated: 2025-03-07. Review status: criteria provided, single submitter. Criteria: ACMG Guidelines, 2015. Collection method: clinical testing. Allele origin: germline.
Comment: Compound heterozygous

Blueprint Genetics
Classification: Pathogenic for WNT10A-related disorders. Last evaluated: 2024-11-11. Review status: criteria provided, single submitter. Criteria: ACMG Guidelines, 2015. Collection method: clinical testing. Allele origin: germline. Affected: yes. Observed: 5 variant alleles.

Ambry Genetics
Classification: Pathogenic for Inborn genetic diseases. Last evaluated: 2024-11-04. Review status: criteria provided, single submitter. Criteria: Ambry Variant Classification Scheme 2023. Collection method: clinical testing. Allele origin: germline.
Comment: The c.321C>A (p.C107*) alteration, located in coding exon 2 of the WNT10A gene, consists of a C to A substitution at nucleotide position 321. This changes the amino acid from a cysteine (C) to a stop codon at amino acid position 107. This alteration is expected to result in loss of function by premature protein truncation or nonsense-mediated mRNA decay. Based on data from gnomAD, the A allele has an overall frequency of 0.064% (181/282692) total alleles studied. The highest observed frequency was 0.129% (167/129028) of European (non-Finnish) alleles. The c.321C>A (p.C107*) alteration has been reported in multiple unrelated affected individuals with tooth agenesis with ectodermal symptoms or odonto-onycho-dermal dysplasia (Bohring, 2009; Mostowska, 2013; Clauss, 2014; Bergendal, 2016; Farwell, 2015). Some heterozygous carriers of this alteration have been reported with dental features that are more mild compared to individuals with bilallelic WNT10A alterations (Mostowska, 2013; Vink, 2014; Yang, 2015). Based on the available evidence, this alteration is classified as pathogenic.

Greenwood Genetic Center Diagnostic Laboratories, Greenwood Genetic Center
Classification: Pathogenic for WNT10A-related disorder. Last evaluated: 2024-03-22. Review status: criteria provided, single submitter. Criteria: ACMG Guidelines, 2015. Collection method: clinical testing. Allele origin: germline. Affected: yes.
Comment: PVS1, PS3_Supporting, PM1, PM3_Very Strong, PP1

Women's Health and Genetics/Laboratory Corporation of America, LabCorp
Classification: Pathogenic for Odonto-onycho-dermal dysplasia. Last evaluated: 2024-03-12. Review status: criteria provided, single submitter. Criteria: LabCorp Variant Classification Summary - May 2015. Collection method: clinical testing. Allele origin: germline.
Comment: Variant summary: WNT10A c.321C>A (p.Cys107X) results in a premature termination codon, predicted to cause a truncation of the encoded protein or absence of the protein due to nonsense mediated decay, which are commonly known mechanisms for disease. The variant allele was found at a frequency of 0.00062 in 251318 control chromosomes (gnomAD). c.321C>A has been reported in the literature in multiple individuals affected with ectodermal dysplasia (example: Bohring_2009). These data indicate that the variant is very likely to be associated with disease. The following publication has been ascertained in the context of this evaluation (PMID: 19559398). ClinVar contains an entry for this variant (Variation ID: 4461). Based on the evidence outlined above, the variant was classified as pathogenic.

Greenwood Genetic Center Diagnostic Laboratories, Greenwood Genetic Center
Classification: Pathogenic for Tooth agenesis, selective, 4. Last evaluated: 2024-01-02. Review status: criteria provided, single submitter. Criteria: ACMG Guidelines, 2015. Collection method: clinical testing. Allele origin: germline. Affected: yes.
Comment: PVS1, PM3_Strong

Mendelics
Classification: Pathogenic. Last evaluated: 2023-03-30. Review status: criteria provided, single submitter. Criteria: Mendelics Assertion Criteria 2019. Collection method: clinical testing. Allele origin: germline.

Dasa
Classification: Pathogenic for Tooth agenesis, selective, 4. Last evaluated: 2022-01-05. Review status: criteria provided, single submitter. Criteria: ACMG Guidelines, 2015. Collection method: clinical testing. Allele origin: germline. Affected: yes. Observed: 1 variant allele.
Comment: The c.321C>A;p.(Cys107*) variant creates a premature translational stop signal in the WNT10A gene. It is expected to result in an absent or disrupted protein product -PVS1.This sequence change has been observed in affected individual(s) and ClinVar contains an entry for this variant (Clinvar ID: 4461; PMID: 28105635; 26964878; 25629078; 25545742; 24902757; 24449199; 19559398; 21279306) - PS4. The p.(Cys107*) was detected in trans with a pathogenic variant (PMID: 28105635; PMID: 26964878; 25629078; 24902757; 19559398; 21279306) - PM3_strong. The variant co-segregated with disease in multiple affected family members (PMID: 26964878; 25629078; 19559398; 21279306) - PP1_strong and is allele frequency is greater than expected for disorder - BS1. In summary, the currently available evidence indicates that the variant is pathogenic.

UNC Molecular Genetics  Laboratory, University of North Carolina at Chapel Hill
Classification: Pathogenic for Tooth agenesis, selective, 4. Last evaluated: 2021-12-07. Review status: criteria provided, single submitter. Criteria: ACMG Guidelines, 2015. Collection method: research. Allele origin: unknown. Observed: 1 variant allele. Study: CSER_NCGENES_2.
Comment: WNT10A c.321C>A p.(Cys107Ter) is a nonsense variant which is predicted to introduce a premature termination codon in exon 2 (out of 4 total exons). Loss of normal protein function is predicted, either through nonsense-mediated mRNA decay or protein truncation. This variant is one of the most commonly observed pathogenic WNT10A variants (PMID 20301291) and has been identified in the heterozygous state in individuals with no clinical phenotype, isolated tooth agenesis/hypodontia, or relatively mild ectodermal dysplasia (PMID 19559398, 21834823, 22581971, 24398796, 25629078). WNT10A c.321C>A p.(Cys107Ter) has been observed in the homozygous or compound heterozygous state in individuals with isolated oligodontia or ectodermal dysplasia (PMID 19559398, 21834823, 22581971, 24398796, 25629078). This variant has also been observed to segregate with disease in mutiple families (PMID 19559398, 24398796, 25629078), therefore is classified as pathogenic.

Institute for Clinical Genetics, University Hospital TU Dresden, University Hospital TU Dresden
Classification: Pathogenic. Last evaluated: 2021-11-03. Review status: criteria provided, single submitter. Criteria: ACMG Guidelines, 2015. Collection method: clinical testing. Allele origin: germline.

MGZ Medical Genetics Center
Classification: Pathogenic for Tooth agenesis, selective, 4. Last evaluated: 2021-09-21. Review status: criteria provided, single submitter. Criteria: ACMG Guidelines, 2015. Collection method: clinical testing. Allele origin: germline. Affected: yes. Observed: 1 variant allele.
Comment: ACMG criteria applied: PVS1, PS4, PM3, PP1_MOD, PM2_SUP

GeneDx
Classification: Pathogenic. Last evaluated: 2021-09-17. Review status: criteria provided, single submitter. Criteria: GeneDx Variant Classification Process June 2021. Collection method: clinical testing. Allele origin: germline. Affected: yes.
Comment: One of the most common pathogenic variants reported in the WNT10A gene (Vink et al., 2014) Observed in the homozygous state or in trans with a second pathogenic variant in individuals with either isolated oligodontia or other features of ectodermal dysplasia (Bohring et al., 2009; Cluzeau et al., 2011; Plaisancie et al., 2013; Mostowska et al., 2013; Clauss et al., 2014; Tardieu et al., 2017) Identified in the heterozygous state in individuals with isolated hypodontia or oligodontia, individuals with features of ectodermal dysplasia, and unaffected carriers (Bohring et al., 2009; Cluzeau et al., 2011; van den Boogaard et al., 2012; Mostowska et al., 2013) Nonsense variant predicted to result in protein truncation or nonsense mediated decay in a gene for which loss-of-function is a known mechanism of disease Observed in 0.064% (181/282692 alleles) in large population cohorts (Lek et al., 2016)

Cambridge Genomics Laboratory, East Genomic Laboratory Hub, NHS Genomic Medicine Service
Classification: Pathogenic for Ectodermal dysplasia. Last evaluated: 2019-12-16. Review status: criteria provided, single submitter. Criteria: ACGS Best Practice Guidelines for Variant Classification in Rare Disease 2020. Collection method: clinical testing. Allele origin: germline. Affected: yes. Observed: 1 variant allele.